The following is an entry in ClinVar:

NM_001018005.2(TPM1):c.240+3A>C

Gene: TPM1 (tropomyosin 1; plus strand). Cytogenetic location: 15q22.2.
Variant type: single nucleotide variant.
Coding change: c.240+3A>C on transcript NM_001018005.2 (MANE Select); 3 bases into the intron after coding-DNA position 240, A replaced by C.
Molecular consequence: intron variant.
Genome position (GRCh38, 1-based): chr15:63,044,155, A>C. VCF-style: chr15-63044155-A-C. GRCh37 (hg19) VCF-style: chr15-63336354-A-C.
Other names: c.366+3A>C (NM_001365778.1); c.240+324A>C (NM_001018020.2, NM_001018007.2, NM_001301244.2); c.240+3A>C (NM_001018006.2, NM_001365776.1, NM_001018004.2 and 4 more transcripts).
Identifiers: ClinVar variation 440351 (VCV000440351.12), dbSNP rs1555403436, ClinGen allele CA645509193.

ClinVar aggregate classification (germline): Uncertain significance. Review status: criteria provided, multiple submitters, no conflicts (2 of 4 stars). 3 submissions from 3 submitters: Uncertain significance (3). Last evaluated 2024-04-22.

Conditions:
Hypertrophic cardiomyopathy. Also called: HYPERTROPHIC MYOCARDIOPATHY. Identifiers: Orphanet 217569, MedGen C0007194, MeSH D002312, MONDO:0005045, HP:0001639.
Cardiovascular phenotype. Identifiers: MedGen CN230736.

gnomAD v4.1: 1 of 1,614,184 alleles (0.000062%); highest among the groups gnomAD compares: Non-Finnish European, 0.000085%; no homozygotes.

Submissions (3):

Labcorp Genetics (formerly Invitae), Labcorp
Classification: Uncertain significance for Hypertrophic cardiomyopathy. Last evaluated: 2024-04-22. Review status: criteria provided, single submitter. Criteria: Invitae Variant Classification Sherloc (09022015). Collection method: clinical testing. Allele origin: germline.
Comment: This sequence change falls in intron 2 of the TPM1 gene. It does not directly change the encoded amino acid sequence of the TPM1 protein. It affects a nucleotide within the consensus splice site. This variant is not present in population databases (gnomAD no frequency). This variant has not been reported in the literature in individuals affected with TPM1-related conditions. ClinVar contains an entry for this variant (Variation ID: 440351). Variants that disrupt the consensus splice site are a relatively common cause of aberrant splicing (PMID: 17576681, 9536098). Algorithms developed to predict the effect of sequence changes on RNA splicing suggest that this variant may disrupt the consensus splice site. In summary, the available evidence is currently insufficient to determine the role of this variant in disease. Therefore, it has been classified as a Variant of Uncertain Significance.

Ambry Genetics
Classification: Uncertain significance for Cardiovascular phenotype. Last evaluated: 2022-11-15. Review status: criteria provided, single submitter. Criteria: Ambry Variant Classification Scheme 2023. Collection method: clinical testing. Allele origin: germline.
Comment: The c.240+3A>C intronic variant results from an A to C substitution 3 nucleotides after coding exon 2 in the TPM1 gene. This nucleotide position is well conserved in available vertebrate species. In silico splice site analysis predicts that this alteration will weaken the native splice donor site. Since supporting evidence is limited at this time, the clinical significance of this alteration remains unclear.

ARUP Laboratories, Molecular Genetics and Genomics, ARUP Laboratories
Classification: Uncertain significance. Last evaluated: 2017-01-19. Review status: criteria provided, single submitter. Criteria: ARUP Molecular Germline Variant Investigation Process. Collection method: clinical testing. Allele origin: germline.

Literature cited by the submitters: PubMed 17576681 (cited by Labcorp Genetics (formerly Invitae), Labcorp); PubMed 9536098 (cited by Labcorp Genetics (formerly Invitae), Labcorp).